The following is an entry in ClinVar:

ClinVar aggregate classification (germline): Likely pathogenic (1 of 4 stars; one submission).

Conditions:
Severe myoclonic epilepsy in infancy (DRVT). Also called: Dravet syndrome; SEVERE MYOCLONIC EPILEPSY OF INFANCY; DEVELOPMENTAL AND EPILEPTIC ENCEPHALOPATHY 6A; Severe Myoclonic Epilepsy in Infancy (SMEI); Epileptic encephalopathy, early infantile, 6 (Dravet syndrome). Identifiers: Orphanet 33069, MedGen C0751122, MONDO:0100135, OMIM 607208.

Submission:

Unidad de Genómica Garrahan, Hospital de Pediatría Garrahan
Classification: Likely pathogenic for Severe myoclonic epilepsy in infancy. Last evaluated: 2023-01-01. Review status: criteria provided, single submitter. Criteria: ACMG Guidelines, 2015. Collection method: clinical testing. Allele origin: germline. Affected: yes. Observed: 1 variant allele.
Comment: Incomplete penetrance and variable expressivity described.

NM_001077350.3(NPRL3):c.1379del (p.Ser460fs)

Genes: HBA-LCR (alpha-globin locus control region; plus strand), NPRL3 (NPR3 like, GATOR1 complex subunit; minus strand). Cytogenetic location: 16p13.3.
Variant type: Deletion.
Coding change: c.1379del on transcript NM_001077350.3 (MANE Select); coding-DNA position 1379, one base deleted (G; older notation c.1379delG).
Protein change: p.Ser460fs; shifts the reading frame from serine 460.
Molecular consequence: frameshift variant.
Genome position (GRCh38, 1-based): chr16:88,863, C deleted on the plus strand (G on the coding strand, the reverse complement: NPRL3 is on the minus strand). VCF-style (leftmost placement, unchanged base first): chr16-88862-GC-G. GRCh37 (hg19) VCF-style: chr16-138860-GC-G.
Other names: NP_001070818.1:p.(Ser460ThrfsTer19); c.842del, p.Ser281fs (NM_001039476.3); c.1145del, p.Ser382fs (NM_001243247.2); c.1304del, p.Ser435fs (NM_001243248.2, NM_001243249.2); short protein forms S281fs, S382fs, S435fs, S460fs.
Identifiers: ClinVar variation 4851534 (VCV004851534.1).